The following is an entry in ClinVar:

NM_001453.3(FOXC1):c.1454T>C (p.Leu485Ser)

Gene: FOXC1 (forkhead box C1; plus strand). Cytogenetic location: 6p25.3.
Variant type: single nucleotide variant.
Coding change: c.1454T>C on transcript NM_001453.3 (MANE Select); coding-DNA position 1454, T replaced by C.
Protein change: p.Leu485Ser; replaces leucine 485 with serine.
Molecular consequence: missense variant.
Genome position (GRCh38, 1-based): chr6:1,611,899, T>C. VCF-style: chr6-1611899-T-C. GRCh37 (hg19) VCF-style: chr6-1612134-T-C.
Other names: short protein forms L485S.
Identifiers: ClinVar variation 2179550 (VCV002179550.5), dbSNP rs1273171402, ClinGen allele CA362560960.

ClinVar aggregate classification (germline): Uncertain significance. Review status: criteria provided, multiple submitters, no conflicts (2 of 4 stars). 2 submissions from 2 submitters: Uncertain significance (2). Last evaluated 2024-05-18.

Conditions:
Anterior segment dysgenesis 3 (ASGD3). Also called: IRIDOGONIODYSGENESIS ANOMALY, AUTOSOMAL DOMINANT; Glaucoma iridogoniodysplasia, familial. Identifiers: Orphanet 91483, MedGen C5975707, MONDO:0024456, OMIM 601631.
Axenfeld-Rieger syndrome type 3 (RIEG3). Also called: AXENFELD-RIEGER ANOMALY WITH CARDIAC DEFECTS AND/OR SENSORINEURAL HEARING LOSS. Identifiers: Orphanet 782, MedGen C2678503, MONDO:0011233, OMIM 602482.

Allele frequency attached by ClinVar (database versions not stated): gnomAD 0.00001; TOPMed 0.00001.
gnomAD v4.1: 14 of 1,533,576 alleles (0.00091%); highest among the groups gnomAD compares: African/African-American, 0.0015%; no homozygotes.

Submissions (2):

Fulgent Genetics
Classification: Uncertain significance for Anterior segment dysgenesis 3; Axenfeld-Rieger syndrome type 3. Last evaluated: 2024-05-18. Review status: criteria provided, single submitter. Criteria: ACMG Guidelines, 2015. Collection method: clinical testing. Allele origin: germline.

Labcorp Genetics (formerly Invitae), Labcorp
Classification: Uncertain significance for Axenfeld-Rieger syndrome type 3. Last evaluated: 2023-12-21. Review status: criteria provided, single submitter. Criteria: Invitae Variant Classification Sherloc (09022015). Collection method: clinical testing. Allele origin: germline.
Comment: This sequence change replaces leucine, which is neutral and non-polar, with serine, which is neutral and polar, at codon 485 of the FOXC1 protein (p.Leu485Ser). This variant is not present in population databases (gnomAD no frequency). This variant has not been reported in the literature in individuals affected with FOXC1-related conditions. ClinVar contains an entry for this variant (Variation ID: 2179550). An algorithm developed to predict the effect of missense changes on protein structure and function (PolyPhen-2) suggests that this variant is likely to be disruptive. In summary, the available evidence is currently insufficient to determine the role of this variant in disease. Therefore, it has been classified as a Variant of Uncertain Significance.